The following is an entry in ClinVar:

ClinVar aggregate classification (germline): Uncertain significance. Review status: criteria provided, multiple submitters, no conflicts (2 of 4 stars). 3 submissions from 3 submitters: Uncertain significance (3). Last evaluated 2024-10-06.

Conditions:
Inborn genetic diseases. Identifiers: MedGen C0950123, MeSH D030342.

Allele frequency attached by ClinVar (database versions not stated): gnomAD exomes 0.00001; ExAC 0.00002; TOPMed 0.00002; gnomAD 0.00003; ESP Exome Variant Server 0.00008.
gnomAD v4.1: 23 of 1,614,172 alleles (0.0014%); highest among the groups gnomAD compares: East Asian, 0.0089%; no homozygotes.

Submissions (3):

Ambry Genetics
Classification: Uncertain significance for Inborn genetic diseases. Last evaluated: 2024-10-06. Review status: criteria provided, single submitter. Criteria: Ambry Variant Classification Scheme 2023. Collection method: clinical testing. Allele origin: germline.

Labcorp Genetics (formerly Invitae), Labcorp
Classification: Uncertain significance. Last evaluated: 2022-10-04. Review status: criteria provided, single submitter. Criteria: Invitae Variant Classification Sherloc (09022015). Collection method: clinical testing. Allele origin: germline.
Comment: This sequence change replaces arginine, which is basic and polar, with cysteine, which is neutral and slightly polar, at codon 637 of the CNGB1 protein (p.Arg637Cys). This variant is present in population databases (rs368926128, gnomAD 0.005%). This variant has not been reported in the literature in individuals affected with CNGB1-related conditions. ClinVar contains an entry for this variant (Variation ID: 1063968). Advanced modeling of protein sequence and biophysical properties (such as structural, functional, and spatial information, amino acid conservation, physicochemical variation, residue mobility, and thermodynamic stability) performed at Invitae indicates that this missense variant is not expected to disrupt CNGB1 protein function. In summary, the available evidence is currently insufficient to determine the role of this variant in disease. Therefore, it has been classified as a Variant of Uncertain Significance.

Blueprint Genetics
Classification: Uncertain significance. Last evaluated: 2022-06-20. Review status: criteria provided, single submitter. Criteria: ACMG Guidelines, 2015. Collection method: clinical testing. Allele origin: germline.

NM_001297.5(CNGB1):c.1909C>T (p.Arg637Cys)

Gene: CNGB1 (cyclic nucleotide gated channel subunit beta 1; minus strand). Cytogenetic location: 16q21.
Variant type: single nucleotide variant.
Coding change: c.1909C>T on transcript NM_001297.5 (MANE Select); coding-DNA position 1909, C replaced by T.
Protein change: p.Arg637Cys; replaces arginine 637 with cysteine.
Molecular consequence: missense variant.
Genome position (GRCh38, 1-based): chr16:57,919,147, G>A on the plus strand (C>T on the coding strand, the complement: CNGB1 is on the minus strand). VCF-style: chr16-57919147-G-A. GRCh37 (hg19) VCF-style: chr16-57953051-G-A.
Other names: c.1909C>T (NM_001297.4); c.1891C>T, p.Arg631Cys (NM_001286130.2); short protein forms R631C, R637C.
Identifiers: ClinVar variation 1063968 (VCV001063968.6), dbSNP rs368926128, ClinGen allele CA8083242.